The following is an entry in ClinVar:

NC_000004.11:g.(?_169815658)_(169819885_?)del

Gene: PALLD (palladin, cytoskeletal associated protein; plus strand). Cytogenetic location: 4q32.3.
Variant type: Deletion.
Identifiers: ClinVar variation 1056076 (VCV001056076.3).

ClinVar aggregate classification (germline): Uncertain significance (1 of 4 stars; one submission).

Conditions:
Pancreatic adenocarcinoma. Identifiers: MedGen C0281361, MONDO:0006047, HP:0006725.

Submission:

Labcorp Genetics (formerly Invitae), Labcorp
Classification: Uncertain significance for Pancreatic adenocarcinoma. Last evaluated: 2016-09-29. Review status: criteria provided, single submitter. Criteria: Invitae Variant Classification Sherloc (09022015). Collection method: clinical testing. Allele origin: germline.
Comment: This variant is a gross deletion of the genomic region encompassing exons 4-5 of the PALLD gene. This leads to an in-frame deletion, preserving the integrity of the reading frame. In summary, because there is limited evidence indicating a relationship between PALLD and cancer, any novel variants are considered Variants of Uncertain Significance. The relationship between PALLD and cancer was ascertained from the study of only one large, multigenerational family affected with familial pancreatic cancer, for which evidence of linkage has been obtained and only one missense variant was detected (PMID:¬†17194196). However, an association study of 85 cases vs. 555 controls observed the mutation in 1 case and 1 control suggesting lack of association (PMID:¬†17415588). Further studies of 48 individuals with familial pancreatic cancer also did not support PALLD as a cause of this condition (PMID: 19336541).

Literature cited by the submitters: PubMed 19336541.